The following is an entry in ClinVar:

ClinVar aggregate classification (germline): Uncertain significance (1 of 4 stars; one submission).

Submission:

Labcorp Genetics (formerly Invitae), Labcorp
Classification: Uncertain significance. Last evaluated: 2022-04-06. Review status: criteria provided, single submitter. Criteria: Invitae Variant Classification Sherloc (09022015). Collection method: clinical testing. Allele origin: germline.
Comment: In summary, the available evidence is currently insufficient to determine the role of this variant in disease. Therefore, it has been classified as a Variant of Uncertain Significance. Algorithms developed to predict the effect of missense changes on protein structure and function output the following: SIFT: "Not Available"; PolyPhen-2: "Benign"; Align-GVGD: "Not Available". The serine amino acid residue is found in multiple mammalian species, which suggests that this missense change does not adversely affect protein function. This variant has not been reported in the literature in individuals affected with GZF1-related conditions. This variant is not present in population databases (gnomAD no frequency). This sequence change replaces proline, which is neutral and non-polar, with serine, which is neutral and polar, at codon 163 of the GZF1 protein (p.Pro163Ser).

NM_022482.5(GZF1):c.487C>T (p.Pro163Ser)

Gene: GZF1 (GDNF inducible zinc finger protein 1; plus strand). Cytogenetic location: 20p11.21.
Variant type: single nucleotide variant.
Coding change: c.487C>T on transcript NM_022482.5 (MANE Select); coding-DNA position 487, C replaced by T.
Protein change: p.Pro163Ser; replaces proline 163 with serine.
Molecular consequence: missense variant.
Genome position (GRCh38, 1-based): chr20:23,364,870, C>T. VCF-style: chr20-23364870-C-T. GRCh37 (hg19) VCF-style: chr20-23345507-C-T.
Other names: c.487C>T, p.Pro163Ser (NM_001317012.2, NM_001317019.1); short protein forms P163S.
Identifiers: ClinVar variation 2122171 (VCV002122171.4), dbSNP rs1192688045, ClinGen allele CA408409674.